The following is an entry in ClinVar:

ClinVar aggregate classification (germline): Uncertain significance. Review status: criteria provided, multiple submitters, no conflicts (2 of 4 stars). 2 submissions from 2 submitters: Uncertain significance (2). Last evaluated 2023-12-29.

Conditions:
Cardiovascular phenotype. Identifiers: MedGen CN230736.

gnomAD v4.1: 1 of 1,477,092 alleles (0.000068%); highest among the groups gnomAD compares: Non-Finnish European, 0.000092%; no homozygotes.

Submissions (2):

Ambry Genetics
Classification: Uncertain significance for Cardiovascular phenotype. Last evaluated: 2023-12-29. Review status: criteria provided, single submitter. Criteria: Ambry Variant Classification Scheme 2023. Collection method: clinical testing. Allele origin: germline.
Comment: The p.K623Q variant (also known as c.1867A>C), located in coding exon 35 of the TRDN gene, results from an A to C substitution at nucleotide position 1867. The lysine at codon 623 is replaced by glutamine, an amino acid with similar properties. This amino acid position is conserved. In addition, this alteration is predicted to be tolerated by in silico analysis. Since supporting evidence is limited at this time, the clinical significance of this alteration remains unclear.

CeGaT Center for Human Genetics Tuebingen
Classification: Uncertain significance. Last evaluated: 2020-02-01. Review status: criteria provided, single submitter. Criteria: CeGaT Center For Human Genetics Tuebingen Variant Classification Criteria Version 2. Collection method: clinical testing. Allele origin: germline. Affected: yes. Observed: 1 variant allele.

NM_006073.4(TRDN):c.1867A>C (p.Lys623Gln)

Gene: TRDN (triadin; minus strand). Cytogenetic location: 6q22.31.
Variant type: single nucleotide variant.
Coding change: c.1867A>C on transcript NM_006073.4 (MANE Select); coding-DNA position 1867, A replaced by C.
Protein change: p.Lys623Gln; replaces lysine 623 with glutamine.
Molecular consequence: missense variant.
Genome position (GRCh38, 1-based): chr6:123,259,627, T>G on the plus strand (A>C on the coding strand, the complement: TRDN is on the minus strand). VCF-style: chr6-123259627-T-G. GRCh37 (hg19) VCF-style: chr6-123580772-T-G.
Other names: c.1867A>C (NM_006073.2); short protein forms K623Q.
Identifiers: ClinVar variation 916486 (VCV000916486.41), dbSNP rs781602848, ClinGen allele CA365563632.